The following is an entry in ClinVar:

NM_181882.3(PRX):c.176T>C (p.Leu59Pro)

Gene: PRX (periaxin; minus strand). Cytogenetic location: 19q13.2.
Variant type: single nucleotide variant.
Coding change: c.176T>C on transcript NM_181882.3 (MANE Select); coding-DNA position 176, T replaced by C.
Protein change: p.Leu59Pro; replaces leucine 59 with proline.
Molecular consequence: missense variant.
Genome position (GRCh38, 1-based): chr19:40,403,714, A>G on the plus strand (T>C on the coding strand, the complement: PRX is on the minus strand). VCF-style: chr19-40403714-A-G. GRCh37 (hg19) VCF-style: chr19-40909621-A-G.
Other names: c.176T>C, p.Leu59Pro (NM_020956.2); short protein forms L59P.
Identifiers: ClinVar variation 581772 (VCV000581772.8), dbSNP rs748318191, ClinGen allele CA9444562.
Genomic context (GRCh38, chr19:40,403,714, plus strand): 5'-CCTAACCCCGCCCCCGCAGTTCGACCCCGCCCCACACCCCGGGCCCGCCCACCTTCCTGC[A>G]GGCTGAGGCTCCTGGCGGCGGGTGAGTCCTCGCGCAGCTCCCGAACGAAGATTCCCTCTT-3'
Protein context (NP_870998.2, residues 49-69): EDSPAARSLS[Leu59Pro]QEGDQLLSAR

ClinVar aggregate classification (germline): Uncertain significance (1 of 4 stars; one submission).

Conditions:
Charcot-Marie-Tooth disease type 4. Also called: Charcot-Marie-Tooth disease, type IV; Charcot-Marie-Tooth, Type 4. Identifiers: Orphanet 64749, MedGen C4082197, MONDO:0018995.

Allele frequency attached by ClinVar (database versions not stated): ExAC below 0.00001; gnomAD exomes below 0.00001; gnomAD 0.00001.
gnomAD v4.1: 3 of 1,554,776 alleles (0.00019%); highest among the groups gnomAD compares: Admixed American, 0.0019%; no homozygotes.

Submission:

Labcorp Genetics (formerly Invitae), Labcorp
Classification: Uncertain significance for Charcot-Marie-Tooth disease type 4. Last evaluated: 2018-02-08. Review status: criteria provided, single submitter. Criteria: Invitae Variant Classification Sherloc (09022015). Collection method: clinical testing. Allele origin: germline.
Comment: In summary, the available evidence is currently insufficient to determine the role of this variant in disease. Therefore, it has been classified as a Variant of Uncertain Significance. Algorithms developed to predict the effect of missense changes on protein structure and function do not agree on the potential impact of this missense change (SIFT: "Deleterious"; PolyPhen-2: "Benign"; Align-GVGD: "Class C0"). This variant has not been reported in the literature in individuals with PRX-related disease. The frequency data for this variant in the population databases is considered unreliable, as metrics indicate poor data quality at this position in the ExAC database. This sequence change replaces leucine with proline at codon 59 of the PRX protein (p.Leu59Pro). The leucine residue is highly conserved and there is a moderate physicochemical difference between leucine and proline.